The following is an entry in ClinVar:

NM_016604.4(KDM3B):c.877T>A (p.Ser293Thr)

Gene: KDM3B (lysine demethylase 3B; plus strand). Cytogenetic location: 5q31.2.
Variant type: single nucleotide variant.
Coding change: c.877T>A on transcript NM_016604.4 (MANE Select); coding-DNA position 877, T replaced by A.
Protein change: p.Ser293Thr; replaces serine 293 with threonine.
Molecular consequence: missense variant.
Genome position (GRCh38, 1-based): chr5:138,386,118, T>A. VCF-style: chr5-138386118-T-A. GRCh37 (hg19) VCF-style: chr5-137721807-T-A.
Other names: short protein forms S293T.
Identifiers: ClinVar variation 4082860 (VCV004082860.1).

ClinVar aggregate classification (germline): Uncertain significance (1 of 4 stars; one submission).

Submission:

GeneDx
Classification: Uncertain significance. Last evaluated: 2025-03-12. Review status: criteria provided, single submitter. Criteria: GeneDx Variant Classification Process June 2021. Collection method: clinical testing. Allele origin: germline. Affected: yes.
Comment: Not observed at significant frequency in large population cohorts (gnomAD); In silico analysis indicates that this missense variant does not alter protein structure/function; Has not been previously published as pathogenic or benign to our knowledge